The following is an entry in ClinVar:

NM_001378328.1(CELSR1):c.366_386dup (p.Gly129_Ala130insThrGlyAlaArgLeuCysGly)

Gene: CELSR1 (cadherin EGF LAG seven-pass G-type receptor 1; minus strand). Cytogenetic location: 22q13.31.
Variant type: Duplication.
Coding change: c.366_386dup on transcript NM_001378328.1 (MANE Select); coding-DNA positions 366 to 386, 21 bases duplicated (AACCGGTGCCCGGCTCTGCGG).
Protein change: p.Gly129_Ala130insThrGlyAlaArgLeuCysGly.
Molecular consequence: inframe insertion.
Genome position (GRCh38, 1-based): chr22:46,536,785-46,536,805, CCGCAGAGCCGGGCACCGGTT duplicated on the plus strand (AACCGGTGCCCGGCTCTGCGG on the coding strand, the reverse complement: CELSR1 is on the minus strand); duplicating any 21 consecutive bases within chr22:46,536,785-46,536,821 gives the same sequence; the c. name uses the placement nearest the transcript's 3' end. VCF-style (leftmost placement, unchanged base first): chr22-46536784-C-CCCGCAGAGCCGGGCACCGGTT. GRCh37 (hg19) VCF-style: chr22-46932681-C-CCCGCAGAGCCGGGCACCGGTT.
Other names: c.366_386dup, p.Gly129_Ala130insThrGlyAlaArgLeuCysGly (NM_014246.4).
Identifiers: ClinVar variation 2442459 (VCV002442459.25), dbSNP rs969947703, ClinGen allele CA515100909.

ClinVar aggregate classification (germline): Conflicting classifications of pathogenicity. Review status: criteria provided, conflicting classifications (1 of 4 stars). 2 submissions from 2 submitters: Uncertain significance (1); Likely benign (1). Last evaluated 2025-07-01.

Submissions (2):

CeGaT Center for Human Genetics Tuebingen
Classification: Likely benign. Last evaluated: 2025-07-01. Review status: criteria provided, single submitter. Criteria: CeGaT Center For Human Genetics Tuebingen Variant Classification Criteria Version 2. Collection method: clinical testing. Allele origin: germline. Affected: yes. Observed: 3 variant alleles.
Comment: CELSR1: PM4, BS1

GeneDx
Classification: Uncertain significance. Last evaluated: 2025-06-12. Review status: criteria provided, single submitter. Criteria: GeneDx Variant Classification Process June 2021. Collection method: clinical testing. Allele origin: germline. Affected: yes.
Comment: In-frame duplication of 7 amino acids in a non-repeat region; Has not been previously published as pathogenic or benign to our knowledge